The following is an entry in ClinVar:

ClinVar aggregate classification (germline): Uncertain significance (1 of 4 stars; one submission).

Submission:

Labcorp Genetics (formerly Invitae), Labcorp
Classification: Uncertain significance. Last evaluated: 2025-04-21. Review status: criteria provided, single submitter. Criteria: Invitae Variant Classification Sherloc (09022015). Collection method: clinical testing. Allele origin: germline.
Comment: This sequence change replaces proline, which is neutral and non-polar, with threonine, which is neutral and polar, at codon 707 of the GRIN2D protein (p.Pro707Thr). This variant is not present in population databases (gnomAD no frequency). This variant has not been reported in the literature in individuals affected with GRIN2D-related conditions. ClinVar contains an entry for this variant (Variation ID: 3636277). Invitae Evidence Modeling of protein sequence and biophysical properties (such as structural, functional, and spatial information, amino acid conservation, physicochemical variation, residue mobility, and thermodynamic stability) indicates that this missense variant is expected to disrupt GRIN2D protein function with a positive predictive value of 95%. In summary, the available evidence is currently insufficient to determine the role of this variant in disease. Therefore, it has been classified as a Variant of Uncertain Significance.

NM_000836.4(GRIN2D):c.2119C>A (p.Pro707Thr)

Gene: GRIN2D (glutamate ionotropic receptor NMDA type subunit 2D; plus strand). Cytogenetic location: 19q13.33.
Variant type: single nucleotide variant.
Coding change: c.2119C>A on transcript NM_000836.4 (MANE Select); coding-DNA position 2119, C replaced by A.
Protein change: p.Pro707Thr; replaces proline 707 with threonine.
Molecular consequence: missense variant.
Genome position (GRCh38, 1-based): chr19:48,421,812, C>A. VCF-style: chr19-48421812-C-A. GRCh37 (hg19) VCF-style: chr19-48925069-C-A.
Other names: short protein forms P707T.
Identifiers: ClinVar variation 3636277 (VCV003636277.2).